The following is an entry in ClinVar:

ClinVar aggregate classification (germline): Uncertain significance (1 of 4 stars; one submission).

Conditions:
Epileptic encephalopathy. Identifiers: MedGen C0543888, HP:0200134.

Allele frequency attached by ClinVar (database versions not stated): TOPMed 0.00002.

Submission:

Labcorp Genetics (formerly Invitae), Labcorp
Classification: Uncertain significance for Epileptic encephalopathy. Last evaluated: 2022-07-12. Review status: criteria provided, single submitter. Criteria: Invitae Variant Classification Sherloc (09022015). Collection method: clinical testing. Allele origin: germline.
Comment: This sequence change replaces alanine, which is neutral and non-polar, with valine, which is neutral and non-polar, at codon 43 of the GABBR2 protein (p.Ala43Val). This variant is not present in population databases (gnomAD no frequency). This variant has not been reported in the literature in individuals affected with GABBR2-related conditions. ClinVar contains an entry for this variant (Variation ID: 1397568). Algorithms developed to predict the effect of missense changes on protein structure and function are either unavailable or do not agree on the potential impact of this missense change (SIFT: "Tolerated"; PolyPhen-2: "Not Available"; Align-GVGD: "Class C0"). Algorithms developed to predict the effect of sequence changes on RNA splicing suggest that this variant may create or strengthen a splice site. In summary, the available evidence is currently insufficient to determine the role of this variant in disease. Therefore, it has been classified as a Variant of Uncertain Significance.

NM_005458.8(GABBR2):c.128C>T (p.Ala43Val)

Gene: GABBR2 (gamma-aminobutyric acid type B receptor subunit 2; minus strand). Cytogenetic location: 9q22.33.
Variant type: single nucleotide variant.
Coding change: c.128C>T on transcript NM_005458.8 (MANE Select); coding-DNA position 128, C replaced by T.
Protein change: p.Ala43Val; replaces alanine 43 with valine.
Molecular consequence: missense variant.
Genome position (GRCh38, 1-based): chr9:98,708,610, G>A on the plus strand (C>T on the coding strand, the complement: GABBR2 is on the minus strand). VCF-style: chr9-98708610-G-A. GRCh37 (hg19) VCF-style: chr9-101470892-G-A.
Other names: short protein forms A43V.
Identifiers: ClinVar variation 1397568 (VCV001397568.6), dbSNP rs1830934532, ClinGen allele CA374212785.